The following is an entry in ClinVar:

ClinVar aggregate classification (germline): Conflicting classifications of pathogenicity. Review status: criteria provided, conflicting classifications (1 of 4 stars). 3 submissions from 3 submitters: Uncertain significance (1); Likely benign (2). Last evaluated 2026-01-19.

Conditions:
Glycogen storage disease IXb (GSD9B). Also called: PHOSPHORYLASE KINASE DEFICIENCY OF LIVER AND MUSCLE, AUTOSOMAL RECESSIVE; GLYCOGENOSIS OF LIVER AND MUSCLE, AUTOSOMAL RECESSIVE; GSD IXb. Identifiers: Orphanet 79240, MedGen C0543514, MONDO:0009868, OMIM 261750.

Allele frequency attached by ClinVar (database versions not stated): TOPMed 0.00003; gnomAD 0.00005; gnomAD exomes 0.00005 and 0.00006; ExAC 0.00006.
gnomAD v4.1: 92 of 1,611,254 alleles (0.0057%); highest among the groups gnomAD compares: Non-Finnish European, 0.0058%; no homozygotes.

Submissions (3):

Labcorp Genetics (formerly Invitae), Labcorp
Classification: Likely benign for Glycogen storage disease IXb. Last evaluated: 2026-01-19. Review status: criteria provided, single submitter. Criteria: Invitae Variant Classification Sherloc (09022015). Collection method: clinical testing. Allele origin: germline.

Illumina Laboratory Services, Illumina
Classification: Uncertain significance for Glycogen storage disease IXb. Last evaluated: 2017-04-27. Review status: criteria provided, single submitter. Criteria: ICSL Variant Classification Criteria 13 December 2019. Collection method: clinical testing. Allele origin: germline.

GeneDx
Classification: Likely benign. Last evaluated: 2016-09-02. Review status: criteria provided, single submitter. Criteria: GeneDx Variant Classification (06012015). Collection method: clinical testing. Allele origin: germline. Affected: yes.
Comment: This variant is considered likely benign or benign based on one or more of the following criteria: it is a conservative change, it occurs at a poorly conserved position in the protein, it is predicted to be benign by multiple in silico algorithms, and/or has population frequency not consistent with disease.

NM_000293.3(PHKB):c.1972-7G>A

Gene: PHKB (phosphorylase kinase regulatory subunit beta; plus strand). Cytogenetic location: 16q12.1.
Variant type: single nucleotide variant.
Coding change: c.1972-7G>A on transcript NM_000293.3 (MANE Select); 7 bases into the intron before coding-DNA position 1972, G replaced by A.
Molecular consequence: intron variant.
Genome position (GRCh38, 1-based): chr16:47,660,499, G>A. VCF-style: chr16-47660499-G-A. GRCh37 (hg19) VCF-style: chr16-47694410-G-A.
Other names: c.1972-7G>A (NM_001363837.1); c.1951-7G>A (NM_001031835.3).
Identifiers: ClinVar variation 381212 (VCV000381212.11), dbSNP rs765332910, ClinGen allele CA8041038.